The following is an entry in ClinVar:

ClinVar aggregate classification (germline): Uncertain significance (1 of 4 stars; one submission).

gnomAD v4.1: 11 of 1,613,644 alleles (0.00068%); highest among the groups gnomAD compares: Non-Finnish European, 0.00093%; no homozygotes.

Submission:

Labcorp Genetics (formerly Invitae), Labcorp
Classification: Uncertain significance. Last evaluated: 2025-05-30. Review status: criteria provided, single submitter. Criteria: Invitae Variant Classification Sherloc (09022015). Collection method: clinical testing. Allele origin: germline.
Comment: This sequence change replaces asparagine, which is neutral and polar, with aspartic acid, which is acidic and polar, at codon 816 of the CACNA2D4 protein (p.Asn816Asp). This variant is present in population databases (no rsID available, gnomAD 0.0009%). This variant has not been reported in the literature in individuals affected with CACNA2D4-related conditions. An algorithm developed to predict the effect of missense changes on protein structure and function (PolyPhen-2) suggests that this variant is likely to be tolerated. In summary, the available evidence is currently insufficient to determine the role of this variant in disease. Therefore, it has been classified as a Variant of Uncertain Significance.

NM_172364.5(CACNA2D4):c.2446A>G (p.Asn816Asp)

Gene: CACNA2D4 (calcium voltage-gated channel auxiliary subunit alpha2delta 4; minus strand). Cytogenetic location: 12p13.33.
Variant type: single nucleotide variant.
Coding change: c.2446A>G on transcript NM_172364.5 (MANE Select); coding-DNA position 2446, A replaced by G.
Protein change: p.Asn816Asp; replaces asparagine 816 with aspartic acid.
Molecular consequence: missense variant.
Genome position (GRCh38, 1-based): chr12:1,844,426, T>C on the plus strand (A>G on the coding strand, the complement: CACNA2D4 is on the minus strand). VCF-style: chr12-1844426-T-C. GRCh37 (hg19) VCF-style: chr12-1953592-T-C.
Other names: short protein forms N816D.
Identifiers: ClinVar variation 4762450 (VCV004762450.1).
Genomic context (GRCh38, chr12:1,844,426, plus strand): 5'-CTGGCCCAGCCCCGGGAGCACCGGGCTGTGTGTTACCTGGTCCTTCTGCCCAGCGGAGGT[T>C]GAAGACGAAGCTGCCAGCAGGATGCTCTGAGGCCTGGCGGTACCACAGCGGGAAGCGGTC-3'
Protein context (NP_758952.4, residues 806-826): SEHPAGSFVF[Asn816Asp]LRWAEGPESA